The following is an entry in ClinVar:

ClinVar aggregate classification (germline): Uncertain significance (1 of 4 stars; one submission).

Conditions:
Epilepsy, childhood absence, susceptibility to, 1. Also called: Epilepsy, childhood absence 1. Identifiers: Orphanet 64280, MedGen C1838604, MONDO:0020759, OMIM 600131.
Epilepsy, childhood absence, susceptibility to, 5. Identifiers: Orphanet 64280, MedGen C2677087, MONDO:0012843, OMIM 612269.

Submission:

Labcorp Genetics (formerly Invitae), Labcorp
Classification: Uncertain significance for Epilepsy, childhood absence, susceptibility to, 5; Epilepsy, childhood absence, susceptibility to, 1. Last evaluated: 2023-08-29. Review status: criteria provided, single submitter. Criteria: Invitae Variant Classification Sherloc (09022015). Collection method: clinical testing. Allele origin: germline.
Comment: In summary, the available evidence is currently insufficient to determine the role of this variant in disease. Therefore, it has been classified as a Variant of Uncertain Significance. This sequence change replaces serine, which is neutral and polar, with leucine, which is neutral and non-polar, at codon 261 of the GABRB3 protein (p.Ser261Leu). Information on the frequency of this variant in the gnomAD database is not available, as this variant may be reported differently in the database. This variant has not been reported in the literature in individuals affected with GABRB3-related conditions. This missense change has been observed in at least one individual who was not affected with GABRB3-related conditions (Invitae). ClinVar contains an entry for this variant (Variation ID: 969775). An algorithm developed to predict the effect of missense changes on protein structure and function (PolyPhen-2) suggests that this variant is likely to be disruptive.

NM_000814.6(GABRB3):c.782_783delinsTA (p.Ser261Leu)

Gene: GABRB3 (gamma-aminobutyric acid type A receptor subunit beta3; minus strand). Cytogenetic location: 15q12.
Variant type: Indel.
Coding change: c.782_783delinsTA on transcript NM_000814.6 (MANE Select); coding-DNA positions 782 to 783, CG replaced by TA.
Protein change: p.Ser261Leu; replaces serine 261 with leucine.
Molecular consequence: missense variant.
Genome position (GRCh38, 1-based): chr15:26,567,633-26,567,634, CG replaced by TA on the plus strand (CG replaced by TA on the coding strand, the reverse complement: GABRB3 is on the minus strand). VCF-style: chr15-26567633-CG-TA. GRCh37 (hg19) VCF-style: chr15-26812780-CG-TA.
Other names: c.527_528delinsTA, p.Ser176Leu (NM_001191320.2, NM_001278631.2); c.569_570delinsTA, p.Ser190Leu (NM_001191321.3); c.782_783delinsTA, p.Ser261Leu (NM_021912.5); short protein forms S190L, S176L, S261L.
Identifiers: ClinVar variation 969775 (VCV000969775.8), dbSNP rs1890228050, ClinGen allele CA1139663788.